The following is an entry in ClinVar:

NM_000257.4(MYH7):c.4624T>C (p.Ser1542Pro)

Genes: MHRT (myosin heavy chain associated RNA transcript; plus strand), MYH7 (myosin heavy chain 7; minus strand). Cytogenetic location: 14q11.2.
Variant type: single nucleotide variant.
Coding change: c.4624T>C on transcript NM_000257.4 (MANE Select); coding-DNA position 4624, T replaced by C.
Protein change: p.Ser1542Pro; replaces serine 1542 with proline.
Molecular consequence: missense variant.
Genome position (GRCh38, 1-based): chr14:23,416,888, A>G on the plus strand (T>C on the coding strand, the complement: MYH7 is on the minus strand). VCF-style: chr14-23416888-A-G. GRCh37 (hg19) VCF-style: chr14-23886097-A-G.
Other names: c.4624T>C, p.Ser1542Pro (NM_001407004.1); short protein forms S1542P.
Identifiers: ClinVar variation 4801917 (VCV004801917.1).
Genomic context (GRCh38, chr14:23,416,888, plus strand): 5'-GCTCAGCTCCCTGCACCCCGTGCCCTGCACACACACACACCTCGGCCTCCTCCAGGGCTG[A>G]CTGCAGCTCCATCTTCTCGGCCTCCAGCTGCTTTCGGACCTTCTCCAGCTCATGGATAGT-3'
Protein context (NP_000248.2, residues 1532-1552): QLEAEKMELQ[Ser1542Pro]ALEEAEASLE

ClinVar aggregate classification (germline): Uncertain significance (1 of 4 stars; one submission).

Conditions:
Hypertrophic cardiomyopathy. Also called: HYPERTROPHIC MYOCARDIOPATHY. Identifiers: Orphanet 217569, MedGen C0007194, MeSH D002312, MONDO:0005045, HP:0001639.

Submission:

Labcorp Genetics (formerly Invitae), Labcorp
Classification: Uncertain significance for Hypertrophic cardiomyopathy. Last evaluated: 2025-02-26. Review status: criteria provided, single submitter. Criteria: Invitae Variant Classification Sherloc (09022015). Collection method: clinical testing. Allele origin: germline.
Comment: This sequence change replaces serine, which is neutral and polar, with proline, which is neutral and non-polar, at codon 1542 of the MYH7 protein (p.Ser1542Pro). This variant is not present in population databases (gnomAD no frequency). This variant has not been reported in the literature in individuals affected with MYH7-related conditions. Invitae Evidence Modeling of protein sequence and biophysical properties (such as structural, functional, and spatial information, amino acid conservation, physicochemical variation, residue mobility, and thermodynamic stability) indicates that this missense variant is expected to disrupt MYH7 protein function with a positive predictive value of 95%. In summary, the available evidence is currently insufficient to determine the role of this variant in disease. Therefore, it has been classified as a Variant of Uncertain Significance.